The following is an entry in ClinVar:

NM_000170.3(GLDC):c.632A>G (p.Tyr211Cys)

Gene: GLDC (glycine decarboxylase; minus strand). Cytogenetic location: 9p24.1.
Variant type: single nucleotide variant.
Coding change: c.632A>G on transcript NM_000170.3 (MANE Select); coding-DNA position 632, A replaced by G.
Protein change: p.Tyr211Cys; replaces tyrosine 211 with cysteine.
Molecular consequence: missense variant.
Genome position (GRCh38, 1-based): chr9:6,610,195, T>C on the plus strand (A>G on the coding strand, the complement: GLDC is on the minus strand). VCF-style: chr9-6610195-T-C. GRCh37 (hg19) VCF-style: chr9-6610195-T-C.
Other names: short protein forms Y211C.
Identifiers: ClinVar variation 964920 (VCV000964920.13), dbSNP rs139931025, ClinGen allele CA4981076.

ClinVar aggregate classification (germline): Conflicting classifications of pathogenicity. Review status: criteria provided, conflicting classifications (1 of 4 stars). 3 submissions from 3 submitters: Uncertain significance (1); Likely benign (1). 1 of the submissions does not count toward it. Last evaluated 2026-01-28.

Conditions:
Glycine encephalopathy. Also called: Nonketotic hyperglycinemia; Non-ketotic hyperglycinemia. Identifiers: Orphanet 407, MedGen C0751748, MONDO:0011612, HP:0008288.

Allele frequency attached by ClinVar (database versions not stated): gnomAD exomes 0.00004 and 0.00008; gnomAD 0.00005 and 0.00006; TOPMed 0.00006; ESP Exome Variant Server 0.00008; ExAC 0.00017.
gnomAD v4.1: 60 of 1,609,748 alleles (0.0037%); highest among the groups gnomAD compares: South Asian, 0.031%; 1 homozygote.

Submissions (3):

Labcorp Genetics (formerly Invitae), Labcorp
Classification: Likely benign for Glycine encephalopathy. Last evaluated: 2026-01-28. Review status: criteria provided, single submitter. Criteria: Invitae Variant Classification Sherloc (09022015). Collection method: clinical testing. Allele origin: germline.

GeneDx
Classification: Uncertain significance. Last evaluated: 2020-09-18. Review status: criteria provided, single submitter. Criteria: GeneDx Variant Classification Process June 2021. Collection method: clinical testing. Allele origin: germline. Affected: yes.
Comment: In silico analysis supports that this missense variant has a deleterious effect on protein structure/function; Has not been previously published as pathogenic or benign to our knowledge

Natera, Inc.
Classification: Uncertain significance for Non-ketotic hyperglycinemia. Last evaluated: 2020-05-13. Review status: no assertion criteria provided. Collection method: clinical testing. Allele origin: germline. Not counted in ClinVar's aggregate classification.